The following is an entry in ClinVar:

ClinVar aggregate classification (germline): Benign (0 of 4 stars; one submission).

Conditions:
Schizophrenia (SCZD). Identifiers: MedGen C0036341, MeSH D012559, MONDO:0005090, OMIM 181500, HP:0100753.

Submission:

Applied Genomics Center, Hong Kong University of Science and Technology
Classification: Benign for Schizophrenia. Last evaluated: 2019-11-01. Review status: no assertion criteria provided. Collection method: case-control. Allele origin: inherited. Affected: no and yes. Observed: 23 variant alleles.
Comment: This variant is a Benign for Caucasians and for Chinese females and is protective for Chinese males.

GRCh37/hg19 5q34(chr5:160796703-160797020)

Gene: GABRB2 (gamma-aminobutyric acid type A receptor subunit beta2; minus strand). Cytogenetic location: 5q34.
Variant type: copy number loss.
Identifiers: ClinVar variation 916014 (VCV000916014.2).